The following is an entry in ClinVar:

ClinVar aggregate classification (germline): Pathogenic (1 of 4 stars; one submission).

Submission:

ISCA Site 6
Classification: Pathogenic. Last evaluated: 2011-08-12. Review status: criteria provided, single submitter. Criteria: Kaminsky et al. (Genet Med. 2011). Collection method: clinical testing. Allele origin: unknown. Affected: yes. Observed: 1 variant allele.
Comment: Copy number variation identified through the course of routine clinical cytogenomic testing in postnatal populations. Clinical assertions have been curated as described in Kaminsky et al. 2011.

GRCh38/hg38 17q21.31(chr17:45674308-46273786)x1

Genes: CRHR1 (corticotropin releasing hormone receptor 1), KANSL1 (KAT8 regulatory NSL complex subunit 1), KANSL1-AS1 (KANSL1 antisense RNA 1), LINC02210-CRHR1 (LINC02210-CRHR1 readthrough), LRRC37A (leucine rich repeat containing 37A) and 8 more. Cytogenetic location: 17q21.31.
Variant type: copy number loss.
Change: copy number 1 (one copy instead of two) of chr17:45,674,308-46,273,786 (599.5 kb, GRCh38 coordinates, 1-based), cytogenetic band 17q21.31.
Identifiers: ClinVar variation 57541 (VCV000057541.2).